The following is an entry in ClinVar:

ClinVar aggregate classification (germline): Pathogenic (1 of 4 stars; one submission).

Conditions:
Severe intellectual disability-progressive spastic diplegia syndrome (NEDSDV). Also called: NEURODEVELOPMENTAL DISORDER WITH SPASTIC DIPLEGIA AND VISUAL DEFECTS; CTNNB1 Neurodevelopmental Disorder. Identifiers: Orphanet 404473, MedGen C3554449, MONDO:0014035, OMIM 615075.

Submission:

3billion
Classification: Pathogenic for Severe intellectual disability-progressive spastic diplegia syndrome. Last evaluated: 2024-12-18. Review status: criteria provided, single submitter. Criteria: ACMG Guidelines, 2015. Collection method: clinical testing. Allele origin: germline. Affected: yes.
Comment: The variant is not observed in the gnomAD v4.1.0 dataset. Predicted Consequence/Location: Canonical splice site: predicted to alter splicing and result in a loss or disruption of normal protein function. Multiple pathogenic loss-of-function variants are reported downstream of the variant. The variant has been reported to be associated with CTNNB1-related disorder (PMID: 25326669). Therefore, this variant is classified as Pathogenic according to the recommendation of ACMG/AMP guideline.

Literature cited by the submitters: PubMed 25326669.

NM_001904.4(CTNNB1):c.1683+1G>A

Genes: CTNNB1 (catenin beta 1; plus strand), LOC126806659 (BRD4-independent group 4 enhancer GRCh37_chr3:41274918-41276117; plus strand). Cytogenetic location: 3p22.1.
Variant type: single nucleotide variant.
Coding change: c.1683+1G>A on transcript NM_001904.4 (MANE Select); the canonical splice donor site of the intron after coding-DNA position 1683, G replaced by A.
Molecular consequence: splice donor variant.
Genome position (GRCh38, 1-based): chr3:41,234,298, G>A. VCF-style: chr3-41234298-G-A. GRCh37 (hg19) VCF-style: chr3-41275789-G-A.
Other names: c.1662+1G>A (NM_001330729.2); c.1683+1G>A (NM_001098209.2, NM_001098210.2, NM_001438874.1 and 4 more transcripts).
Identifiers: ClinVar variation 4292200 (VCV004292200.1).
Genomic context (GRCh38, chr3:41,234,298, plus strand): 5'-CGTGCACATCAGGATACCCAGCGCCGTACGTCCATGGGTGGGACACAGCAGCAATTTGTG[G>A]TAGGTAAATTCTTACAGTGATACCTGGCTATCTAAAAGGAATGCATAAATCCAAAGGATC-3'